The following is an entry in ClinVar:

NM_004208.4(AIFM1):c.1409C>G (p.Thr470Ser)

Genes: AIFM1 (apoptosis inducing factor mitochondria associated 1; minus strand), RAB33A (RAB33A, member RAS oncogene family; plus strand). Cytogenetic location: Xq26.1.
Variant type: single nucleotide variant.
Coding change: c.1409C>G on transcript NM_004208.4 (MANE Select); coding-DNA position 1409, C replaced by G.
Protein change: p.Thr470Ser; replaces threonine 470 with serine.
Molecular consequence: missense variant. On other transcripts: 3 prime UTR variant (1), non-coding transcript variant (1).
Genome position (GRCh38, 1-based): chrX:130,133,352, G>C on the plus strand (C>G on the coding strand, the complement: AIFM1 is on the minus strand). VCF-style: chrX-130133352-G-C. GRCh37 (hg19) VCF-style: chrX-129267327-G-C.
Other names: c.392C>G, p.Thr131Ser (NM_001130846.4); c.*637C>G (NM_001130847.4); c.1397C>G, p.Thr466Ser (NM_145812.3); short protein forms T131S, T466S, T470S.
Identifiers: ClinVar variation 1771967 (VCV001771967.2), dbSNP rs2523110165, ClinGen allele CA414573262.
Genomic context (GRCh38, chrX:130,133,352, plus strand): 5'-TCCAAGGCACACCACTATTACCAGAACATTGACTGATGCCAGTACGGCTTAGCAGCTCCA[G>C]TCATATTTTCTCCAGCCAATCTTCCACTCACAACAGCGTGATCATGGTGCTCTACCCGCC-3'
Protein context (NP_004199.1, residues 460-480): VSGRLAGENM[Thr470Ser]GAAKPYWHQS

ClinVar aggregate classification (germline): Uncertain significance (1 of 4 stars; one submission).

Conditions:
Inborn genetic diseases. Identifiers: MedGen C0950123, MeSH D030342.

Submission:

Ambry Genetics
Classification: Uncertain significance for Inborn genetic diseases. Last evaluated: 2020-12-15. Review status: criteria provided, single submitter. Criteria: Ambry Variant Classification Scheme 2023. Collection method: clinical testing. Allele origin: germline.
Comment: The p.T470S variant (also known as c.1409C>G), located in coding exon 13 of the AIFM1 gene, results from a C to G substitution at nucleotide position 1409. The threonine at codon 470 is replaced by serine, an amino acid with similar properties. This amino acid position is highly conserved in available vertebrate species. In addition, the in silico prediction for this alteration is inconclusive. Since supporting evidence is limited at this time, the clinical significance of this alteration remains unclear.